The following is an entry in ClinVar:

ClinVar aggregate classification (germline): Uncertain significance (1 of 4 stars; one submission).

Submission:

Labcorp Genetics (formerly Invitae), Labcorp
Classification: Uncertain significance. Last evaluated: 2025-08-02. Review status: criteria provided, single submitter. Criteria: Invitae Variant Classification Sherloc (09022015). Collection method: clinical testing. Allele origin: germline.
Comment: This sequence change falls in intron 3 of the HNRNPK gene. It does not directly change the encoded amino acid sequence of the HNRNPK protein. It affects a nucleotide within the consensus splice site. This variant is present in population databases (rs557740400, gnomAD 0.02%). This variant has not been reported in the literature in individuals affected with HNRNPK-related conditions. Variants that disrupt the consensus splice site are a relatively common cause of aberrant splicing (PMID: 17576681, 9536098). Algorithms developed to predict the effect of sequence changes on RNA splicing suggest that this variant is not likely to affect RNA splicing. In summary, the available evidence is currently insufficient to determine the role of this variant in disease. Therefore, it has been classified as a Variant of Uncertain Significance.

Literature cited by the submitters: PubMed 17576681; PubMed 9536098.

NM_031263.4(HNRNPK):c.59-3T>C

Gene: HNRNPK (heterogeneous nuclear ribonucleoprotein K; minus strand). Cytogenetic location: 9q21.32.
Variant type: single nucleotide variant.
Coding change: c.59-3T>C on transcript NM_031263.4 (MANE Select); 3 bases into the intron before coding-DNA position 59, T replaced by C.
Molecular consequence: intron variant.
Genome position (GRCh38, 1-based): chr9:83,977,789, A>G on the plus strand (T>C on the coding strand, the complement: HNRNPK is on the minus strand). VCF-style: chr9-83977789-A-G. GRCh37 (hg19) VCF-style: chr9-86592704-A-G.
Other names: c.59-3T>C (NM_031262.4, NM_002140.5, NM_001318186.2 and 2 more transcripts).
Identifiers: ClinVar variation 4767122 (VCV004767122.1).